The following is an entry in ClinVar:

NM_014239.4(EIF2B2):c.865G>A (p.Val289Met)

Gene: EIF2B2 (eukaryotic translation initiation factor 2B subunit beta; plus strand). Cytogenetic location: 14q24.3.
Variant type: single nucleotide variant.
Coding change: c.865G>A on transcript NM_014239.4 (MANE Select); coding-DNA position 865, G replaced by A.
Protein change: p.Val289Met; replaces valine 289 with methionine.
Molecular consequence: missense variant.
Genome position (GRCh38, 1-based): chr14:75,007,755, G>A. VCF-style: chr14-75007755-G-A. GRCh37 (hg19) VCF-style: chr14-75474458-G-A.
Other names: short protein forms V289M.
Identifiers: ClinVar variation 1924085 (VCV001924085.5), dbSNP rs775427018, ClinGen allele CA390429679.

ClinVar aggregate classification (germline): Uncertain significance (1 of 4 stars; one submission).

Submission:

Labcorp Genetics (formerly Invitae), Labcorp
Classification: Uncertain significance. Last evaluated: 2022-05-13. Review status: criteria provided, single submitter. Criteria: Invitae Variant Classification Sherloc (09022015). Collection method: clinical testing. Allele origin: germline.
Comment: In summary, the available evidence is currently insufficient to determine the role of this variant in disease. Therefore, it has been classified as a Variant of Uncertain Significance. Algorithms developed to predict the effect of missense changes on protein structure and function (SIFT, PolyPhen-2, Align-GVGD) all suggest that this variant is likely to be tolerated. This variant has not been reported in the literature in individuals affected with EIF2B2-related conditions. This variant is present in population databases (no rsID available, gnomAD 0.003%). This sequence change replaces valine, which is neutral and non-polar, with methionine, which is neutral and non-polar, at codon 289 of the EIF2B2 protein (p.Val289Met).